The following is an entry in ClinVar:

ClinVar aggregate classification (germline): Uncertain significance (1 of 4 stars; one submission).

Conditions:
Aicardi-Goutieres syndrome 6 (AGS6). Identifiers: Orphanet 51, MedGen C3539013, MONDO:0014007, OMIM 615010.
Symmetrical dyschromatosis of extremities (DSH). Also called: RETICULATE ACROPIGMENTATION OF DOHI; SYMMETRIC DYSCHROMATOSIS OF THE EXTREMITIES; Dyschromatosis symmetrica hereditaria; DYSCHROMATOSIS SYMMETRICA HEREDITARIA 1. Identifiers: Orphanet 41, MedGen C0406775, MONDO:0007483, OMIM 127400.

Submission:

Labcorp Genetics (formerly Invitae), Labcorp
Classification: Uncertain significance for Aicardi-Goutieres syndrome 6; Symmetrical dyschromatosis of extremities. Last evaluated: 2020-04-23. Review status: criteria provided, single submitter. Criteria: Invitae Variant Classification Sherloc (09022015). Collection method: clinical testing. Allele origin: germline.
Comment: This sequence change replaces tryptophan with arginine at codon 768 of the ADAR protein (p.Trp768Arg). The tryptophan residue is highly conserved and there is a moderate physicochemical difference between tryptophan and arginine. This variant is not present in population databases (ExAC no frequency). This variant has not been reported in the literature in individuals with ADAR-related conditions. Algorithms developed to predict the effect of missense changes on protein structure and function are either unavailable or do not agree on the potential impact of this missense change (SIFT: "Deleterious"; PolyPhen-2: "Possibly Damaging"; Align-GVGD: "Class C0"). In summary, the available evidence is currently insufficient to determine the role of this variant in disease. Therefore, it has been classified as a Variant of Uncertain Significance.

NM_001111.5(ADAR):c.2302T>C (p.Trp768Arg)

Gene: ADAR (adenosine deaminase RNA specific; minus strand). Cytogenetic location: 1q21.3.
Variant type: single nucleotide variant.
Coding change: c.2302T>C on transcript NM_001111.5 (MANE Select); coding-DNA position 2302, T replaced by C.
Protein change: p.Trp768Arg; replaces tryptophan 768 with arginine.
Molecular consequence: missense variant.
Genome position (GRCh38, 1-based): chr1:154,590,378, A>G on the plus strand (T>C on the coding strand, the complement: ADAR is on the minus strand). VCF-style: chr1-154590378-A-G. GRCh37 (hg19) VCF-style: chr1-154562854-A-G.
Other names: c.1417T>C, p.Trp473Arg (NM_001025107.3, NM_001193495.2, NM_001365046.1 and 3 more transcripts); c.2329T>C, p.Trp777Arg (NM_001365045.1); c.2302T>C, p.Trp768Arg (NM_015840.4); c.2245T>C, p.Trp749Arg (NM_015841.4); short protein forms W473R, W749R, W768R, W777R.
Identifiers: ClinVar variation 1006022 (VCV001006022.8), dbSNP rs1697065372, ClinGen allele CA342637554.